The following is an entry in ClinVar:

ClinVar aggregate classification (germline): Benign. Review status: criteria provided, multiple submitters, no conflicts (2 of 4 stars). 8 submissions from 8 submitters: Benign (6). 2 of the submissions do not count toward it. Last evaluated 2026-01-28.

Conditions:
Spinocerebellar ataxia type 35. Identifiers: Orphanet 276193, MedGen C3888031, MONDO:0013485, OMIM 613908.

Allele frequency attached by ClinVar (database versions not stated): ESP Exome Variant Server 0.12763; gnomAD 0.13293 and 0.13605; ExAC 0.14134; gnomAD exomes 0.14397; TOPMed 0.14740; 1000 Genomes Project 30x 0.18004; 1000 Genomes Project 0.18211.
gnomAD v4.1: 177,775 of 1,613,884 alleles (11%); highest among the groups gnomAD compares: Admixed American, 24%; 11,862 homozygotes.

Submissions (9):

Labcorp Genetics (formerly Invitae), Labcorp
Classification: Benign. Last evaluated: 2026-01-28. Review status: criteria provided, single submitter. Criteria: Invitae Variant Classification Sherloc (09022015). Collection method: clinical testing. Allele origin: germline.

Mayo Clinic Laboratories, Mayo Clinic
Classification: Benign. Last evaluated: 2022-03-24. Review status: criteria provided, single submitter. Criteria: ACMG Guidelines, 2015. Collection method: clinical testing. Allele origin: germline. Observed: 106 variant alleles.

Genome-Nilou Lab
Classification: Benign for Spinocerebellar ataxia type 35. Last evaluated: 2021-09-10. Review status: criteria provided, single submitter. Criteria: ACMG Guidelines, 2015. Collection method: clinical testing. Allele origin: germline. Affected: no.

GeneDx
Classification: Benign. Last evaluated: 2020-08-27. Review status: criteria provided, single submitter. Criteria: GeneDx Variant Classification Process June 2021. Collection method: clinical testing. Allele origin: germline. Affected: yes.

Illumina Laboratory Services, Illumina
Classification: Benign for Spinocerebellar ataxia type 35. Last evaluated: 2018-01-12. Review status: criteria provided, single submitter. Criteria: ICSL Variant Classification Criteria 13 December 2019. Collection method: clinical testing. Allele origin: germline.
Comment: This variant was observed in the ICSL laboratory as part of a predisposition screen in an ostensibly healthy population. It had not been previously curated by ICSL or reported in the Human Gene Mutation Database (HGMD: prior to June 1st, 2018), and was therefore a candidate for classification through an automated scoring system. Utilizing variant allele frequency, disease prevalence and penetrance estimates, and inheritance mode, an automated score was calculated to assess if this variant is too frequent to cause the disease. Based on the score and internal cut-off values, a variant classified as benign is not then subjected to further curation. The score for this variant resulted in a classification of benign for this disease.

Breakthrough Genomics
Classification: Benign. Review status: criteria provided, single submitter. Criteria: ACMG Guidelines, 2015. Collection method: not provided. Allele origin: germline. Inheritance: Autosomal dominant inheritance. Affected: yes.

Clinical Genetics DNA and cytogenetics Diagnostics Lab, Erasmus MC, Erasmus Medical Center
Classification: Benign. Review status: no assertion criteria provided. Collection method: clinical testing. Allele origin: germline. Affected: yes. Study: VKGL Data-share Consensus. Not counted in ClinVar's aggregate classification.

Dr. Peter K. Rogan Lab, Western University
No classification provided (evidence only). Condition: Colorectal cancer. Review status: no classification provided. Collection method: in vitro. Allele origin: not applicable. Functional consequence: retained intron. Not counted in ClinVar's aggregate classification.

Joint Genome Diagnostic Labs from Nijmegen and Maastricht, Radboudumc and MUMC+
Classification: Benign. Review status: no assertion criteria provided. Collection method: clinical testing. Allele origin: germline. Affected: yes. Study: VKGL Data-share Consensus. Not counted in ClinVar's aggregate classification.

NM_198994.3(TGM6):c.789G>A (p.Lys263=)

Gene: TGM6 (transglutaminase 6; plus strand). Cytogenetic location: 20p13.
Variant type: single nucleotide variant.
Coding change: c.789G>A on transcript NM_198994.3 (MANE Select); coding-DNA position 789, G replaced by A.
Protein change: p.Lys263=; no amino-acid change (lysine 263 retained).
Molecular consequence: synonymous variant.
Genome position (GRCh38, 1-based): chr20:2,399,677, G>A. VCF-style: chr20-2399677-G-A. GRCh37 (hg19) VCF-style: chr20-2380323-G-A.
Other names: p.Lys263=; c.789G>A, p.Lys263= (NM_001254734.2).
Identifiers: ClinVar variation 337911 (VCV000337911.19), dbSNP rs6114033, ClinGen allele CA9731816.